The following is an entry in ClinVar:

NM_001458.5(FLNC):c.2794T>A (p.Tyr932Asn)

Gene: FLNC (filamin C; plus strand). Cytogenetic location: 7q32.1.
Variant type: single nucleotide variant.
Coding change: c.2794T>A on transcript NM_001458.5 (MANE Select); coding-DNA position 2794, T replaced by A.
Protein change: p.Tyr932Asn; replaces tyrosine 932 with asparagine.
Molecular consequence: missense variant.
Genome position (GRCh38, 1-based): chr7:128,843,560, T>A. VCF-style: chr7-128843560-T-A. GRCh37 (hg19) VCF-style: chr7-128483614-T-A.
Other names: c.2794T>A, p.Tyr932Asn (NM_001127487.2); short protein forms Y932N.
Identifiers: ClinVar variation 954725 (VCV000954725.10), dbSNP rs1808430365, ClinGen allele CA369193293.

ClinVar aggregate classification (germline): Uncertain significance. Review status: criteria provided, multiple submitters, no conflicts (2 of 4 stars). 2 submissions from 2 submitters: Uncertain significance (2). Last evaluated 2022-03-21.

Conditions:
Hypertrophic cardiomyopathy 26. Also called: Cardiomyopathy, familial hypertrophic, 26. Identifiers: Orphanet 75249, MedGen C4310749, MONDO:0014883, OMIM 617047.
Myofibrillar myopathy 5. Also called: FILAMINOPATHY, AUTOSOMAL DOMINANT; Filaminopathy (type). Identifiers: Orphanet 171445, MedGen C1836050, MONDO:0012289, OMIM 609524.
Distal myopathy with posterior leg and anterior hand involvement. Also called: WILLIAMS DISTAL MYOPATHY. Identifiers: Orphanet 63273, MedGen C3279722, MONDO:0013550, OMIM 614065.

Submissions (2):

Revvity Omics, Revvity
Classification: Uncertain significance. Last evaluated: 2022-03-21. Review status: criteria provided, single submitter. Criteria: ACMG Guidelines, 2015. Collection method: clinical testing. Allele origin: germline.

Labcorp Genetics (formerly Invitae), Labcorp
Classification: Uncertain significance for Distal myopathy with posterior leg and anterior hand involvement; Myofibrillar myopathy 5; Hypertrophic cardiomyopathy 26. Last evaluated: 2021-12-11. Review status: criteria provided, single submitter. Criteria: Invitae Variant Classification Sherloc (09022015). Collection method: clinical testing. Allele origin: germline.
Comment: This variant has not been reported in the literature in individuals affected with FLNC-related conditions. ClinVar contains an entry for this variant (Variation ID: 954725). Algorithms developed to predict the effect of missense changes on protein structure and function are either unavailable or do not agree on the potential impact of this missense change (SIFT: "Deleterious"; PolyPhen-2: "Probably Damaging"; Align-GVGD: "Class C0"). In summary, the available evidence is currently insufficient to determine the role of this variant in disease. Therefore, it has been classified as a Variant of Uncertain Significance. This variant is not present in population databases (gnomAD no frequency). This sequence change replaces tyrosine, which is neutral and polar, with asparagine, which is neutral and polar, at codon 932 of the FLNC protein (p.Tyr932Asn).